The following is an entry in ClinVar:

ClinVar aggregate classification (germline): Uncertain significance (1 of 4 stars; one submission).

Submission:

Labcorp Genetics (formerly Invitae), Labcorp
Classification: Uncertain significance. Last evaluated: 2021-05-17. Review status: criteria provided, single submitter. Criteria: Invitae Variant Classification Sherloc (09022015). Collection method: clinical testing. Allele origin: germline.
Comment: In summary, the available evidence is currently insufficient to determine the role of this variant in disease. Therefore, it has been classified as a Variant of Uncertain Significance. Advanced modeling of protein sequence and biophysical properties (such as structural, functional, and spatial information, amino acid conservation, physicochemical variation, residue mobility, and thermodynamic stability) performed at Invitae indicates that this missense variant is not expected to disrupt LRP2 protein function. This variant has not been reported in the literature in individuals with LRP2-related conditions. This variant is not present in population databases (ExAC no frequency). This sequence change replaces asparagine with serine at codon 457 of the LRP2 protein (p.Asn457Ser). The asparagine residue is highly conserved and there is a small physicochemical difference between asparagine and serine.

NM_004525.3(LRP2):c.1370A>G (p.Asn457Ser)

Gene: LRP2 (LDL receptor related protein 2; minus strand). Cytogenetic location: 2q31.1.
Variant type: single nucleotide variant.
Coding change: c.1370A>G on transcript NM_004525.3 (MANE Select); coding-DNA position 1370, A replaced by G.
Protein change: p.Asn457Ser; replaces asparagine 457 with serine.
Molecular consequence: missense variant.
Genome position (GRCh38, 1-based): chr2:169,279,567, T>C on the plus strand (A>G on the coding strand, the complement: LRP2 is on the minus strand). VCF-style: chr2-169279567-T-C. GRCh37 (hg19) VCF-style: chr2-170136077-T-C.
Other names: short protein forms N457S.
Identifiers: ClinVar variation 1391638 (VCV001391638.8), dbSNP rs2105449734, ClinGen allele CA349149307.
Genomic context (GRCh38, chr2:169,279,567, plus strand): 5'-ACCCAGTCCACAGCCAGGTTCTCTGGGGTTTCAACAGAAACATTGAGAACCTCTTGGATA[T>C]TTAAACCATTAATGTCAACTGAAAAAACCTGAAAGAAAAACCAAAATTATTATATTTCTT-3'
Protein context (NP_004516.2, residues 447-467): KVFSVDINGL[Asn457Ser]IQEVLNVSVE